The following is an entry in ClinVar:

ClinVar aggregate classification (germline): Uncertain significance (1 of 4 stars; one submission).

Allele frequency attached by ClinVar (database versions not stated): gnomAD 0.00001; gnomAD exomes 0.00001; ExAC 0.00002; TOPMed 0.00002; ESP Exome Variant Server 0.00008.
gnomAD v4.1: 11 of 1,593,236 alleles (0.00069%); highest among the groups gnomAD compares: Admixed American, 0.0085%; no homozygotes.

Submission:

Labcorp Genetics (formerly Invitae), Labcorp
Classification: Uncertain significance. Last evaluated: 2026-01-19. Review status: criteria provided, single submitter. Criteria: Invitae Variant Classification Sherloc (09022015). Collection method: clinical testing. Allele origin: germline.
Comment: This sequence change replaces arginine, which is basic and polar, with tryptophan, which is neutral and slightly polar, at codon 72 of the AHDC1 protein (p.Arg72Trp). This variant is present in population databases (rs370437953, gnomAD 0.009%). This variant has not been reported in the literature in individuals affected with AHDC1-related conditions. ClinVar contains an entry for this variant (Variation ID: 2186376). An algorithm developed to predict the effect of missense changes on protein structure and function (PolyPhen-2) suggests that this variant is likely to be disruptive. In summary, the available evidence is currently insufficient to determine the role of this variant in disease. Therefore, it has been classified as a Variant of Uncertain Significance.

NM_001371928.1(AHDC1):c.214C>T (p.Arg72Trp)

Gene: AHDC1 (AT-hook DNA binding motif containing 1; minus strand). Cytogenetic location: 1p36.11.
Variant type: single nucleotide variant.
Coding change: c.214C>T on transcript NM_001371928.1 (MANE Select); coding-DNA position 214, C replaced by T.
Protein change: p.Arg72Trp; replaces arginine 72 with tryptophan.
Molecular consequence: missense variant.
Genome position (GRCh38, 1-based): chr1:27,551,902, G>A on the plus strand (C>T on the coding strand, the complement: AHDC1 is on the minus strand). VCF-style: chr1-27551902-G-A. GRCh37 (hg19) VCF-style: chr1-27878413-G-A.
Other names: c.214C>T, p.Arg72Trp (NM_001029882.3); short protein forms R72W.
Identifiers: ClinVar variation 2186376 (VCV002186376.4), dbSNP rs370437953, ClinGen allele CA716202.